The following is an entry in ClinVar:

NM_001048174.2(MUTYH):c.901G>A (p.Val301Met)

Gene: MUTYH (mutY DNA glycosylase; minus strand). Cytogenetic location: 1p34.1.
Variant type: single nucleotide variant.
Coding change: c.901G>A on transcript NM_001048174.2 (MANE Select); coding-DNA position 901, G replaced by A.
Protein change: p.Val301Met; replaces valine 301 with methionine.
Molecular consequence: missense variant. On other transcripts: non-coding transcript variant (2).
Genome position (GRCh38, 1-based): chr1:45,332,035, C>T on the plus strand (G>A on the coding strand, the complement: MUTYH is on the minus strand). VCF-style: chr1-45332035-C-T. GRCh37 (hg19) VCF-style: chr1-45797707-C-T.
Other names: c.901G>A, p.Val301Met (NM_001048171.2, NM_001048173.2, NM_001293195.2); c.904G>A, p.Val302Met (NM_001048172.2); c.985G>A, p.Val329Met (NM_001128425.2); c.946G>A, p.Val316Met (NM_001293190.2); c.934G>A, p.Val312Met (NM_001293191.2); c.625G>A, p.Val209Met (NM_001293192.2, NM_001293196.2); c.556G>A, p.Val186Met (NM_001350650.2, NM_001350651.2); c.976G>A, p.Val326Met (NM_012222.3); short protein forms V329M, V315M, V209M, V301M, V302M, V312M, V186M, V316M.
Identifiers: ClinVar variation 134859 (VCV000134859.86), dbSNP rs147718169, ClinGen allele CA014772.

ClinVar aggregate classification (germline): Conflicting classifications of pathogenicity. Review status: criteria provided, conflicting classifications (1 of 4 stars). 22 submissions from 22 submitters: Uncertain significance (14); Likely benign (5). 3 of the submissions do not count toward it. Last evaluated 2026-09-10.

Conditions:
MUTYH-related disorder. Also called: MUTYH-related condition; MUTYH-related disorders.
Pilomatrixoma (PTR). Also called: Pilomatricoma, somatic; PILOMATRICOMA; EPITHELIOMA CALCIFICANS OF MALHERBE. Identifiers: Orphanet 91414, MedGen C0206711, MeSH D018296, MONDO:0007564, OMIM 132600, HP:0030434.
Neoplasm of stomach. Also called: Stomach Neoplasms; Gastric neoplasm; Neoplasm of the stomach. Identifiers: MedGen C0038356, MONDO:0021085, HP:0006753. Disease mechanism: gain of function. Inheritance: Somatic mutation.
Familial adenomatous polyposis 2. Also called: MUTYH-related attenuated familial adenomatous polyposis; MUTYH-associated polyposis; MUTYH Polyposis; Adenomas, multiple colorectal; ADENOMAS, MULTIPLE COLORECTAL, AUTOSOMAL RECESSIVE; COLORECTAL ADENOMATOUS POLYPOSIS, AUTOSOMAL RECESSIVE. Identifiers: Orphanet 220460, Orphanet 247798, MedGen C3272841, MONDO:0012041, OMIM 608456.
Hereditary cancer-predisposing syndrome. Also called: Tumor predisposition; Hereditary neoplastic syndrome; Hereditary Cancer Syndrome; Neoplastic Syndromes, Hereditary. Identifiers: Orphanet 140162, MedGen C0027672, MeSH D009386, MONDO:0015356.

Allele frequency attached by ClinVar (database versions not stated): TOPMed 0.00007; gnomAD 0.00008 and 0.00009; gnomAD exomes 0.00009; ExAC 0.00013; ESP Exome Variant Server 0.00015; 1000 Genomes Project 30x 0.00047; 1000 Genomes Project 0.00060.
gnomAD v4.1: 166 of 1,614,230 alleles (0.01%); highest among the groups gnomAD compares: Middle Eastern, 0.3%; 1 homozygote.

Submissions 1 to 12 of 22:

PreventionGenetics, part of Exact Sciences
Classification: Uncertain significance for MUTYH-related condition. Last evaluated: 2026-09-10. Review status: criteria provided, single submitter. Criteria: ACMG Guidelines, 2015. Collection method: clinical testing. Allele origin: germline.
Comment: The MUTYH c.985G>A variant is predicted to result in the amino acid substitution p.Val329Met. Using an alternate transcript (NM_001048173), this variant is also referred to as c.901G>A (p.Val301Met). This variant has been reported in an individual with suspected MUTYH-associated polyposis (MAP), in an individual with colorectal cancer, and in a study of individuals undergoing genetic testing for Lynch syndrome (Yurgelun et al. 2015. PubMed ID: 25980754; Ricci et al 2017. PubMed ID: 27829682; Table S1, AlHarbi et al. 2023. PubMed ID: 37306523). Of note this variant has also been reported in the control population in a case-control study of individuals with biliary tract cancer (Supplemental Table 2, Okawa et al. 2022. PubMed ID: 36243179). This variant is reported in 0.011% of alleles in individuals of Latino descent in gnomAD and has conflicting interpretations in ClinVar, ranging from uncertain to likely benign (Variation ID: 134859). Although we suspect that this variant may be benign, at this time, the clinical significance of this variant is uncertain due to the absence of conclusive functional and genetic evidence.

Institute for Biomarker Research, Medical Diagnostic Laboratories, L.L.C.
Classification: Uncertain significance for Hereditary cancer-predisposing syndrome. Last evaluated: 2026-05-26. Review status: criteria provided, single submitter. Criteria: ACMG Guidelines, 2015. Collection method: clinical testing. Allele origin: germline.
Comment: The missense variant NM_001128425.1(MUTYH):c.985G>A (p.Val329Met) is not currently classified as pathogenic in clinical sources (Accession: VCV000134859.79). The p.Val329Met variant is observed in 18/6,062 (0.2969%) alleles from individuals of gnomAD v4 MiddleEastern background in gnomAD v4 All, which is greater than expected for the disorder. There is a small physicochemical difference between valine and methionine, which is not likely to impact secondary protein structure as these residues share similar properties. For these reasons, this variant has been classified as Uncertain Significance.

CeGaT Center for Human Genetics Tuebingen
Classification: Uncertain significance. Last evaluated: 2026-03-01. Review status: criteria provided, single submitter. Criteria: CeGaT Center For Human Genetics Tuebingen Variant Classification Criteria Version 2. Collection method: clinical testing. Allele origin: germline. Affected: yes. Observed: 5 variant alleles.

Labcorp Genetics (formerly Invitae), Labcorp
Classification: Likely benign for Familial adenomatous polyposis 2. Last evaluated: 2026-01-27. Review status: criteria provided, single submitter. Criteria: Invitae Variant Classification Sherloc (09022015). Collection method: clinical testing. Allele origin: germline.

Dasa
Classification: Likely benign. Last evaluated: 2026-01-05. Review status: criteria provided, single submitter. Criteria: DASA Assertion Criteria. Collection method: clinical testing. Allele origin: germline.
Comment: NM_001048174.2(MUTYH):c.901G>A (p.Val301Met) is a missense variant that results in the substitution of valine with methionine. Multiple computational predictions suggest no deleterious effect on the gene or gene product. The variant is present at low frequency in population datasets. Based on the available data, this variant is classified as likely benign.

Quest Diagnostics Nichols Institute San Juan Capistrano
Classification: Uncertain significance. Last evaluated: 2025-07-17. Review status: criteria provided, single submitter. Criteria: Quest Diagnostics criteria. Collection method: clinical testing. Allele origin: unknown.
Comment: The MUTYH c.985G>A (p.Val329Met) variant has been reported in the published literature in individuals with suspected MUTYH-associated polyposis (PMID: 2829682 (2016)), Lynch syndrome-associated cancer or polyps (PMID: 25980754 (2015)), squamous cell carcinoma (PMID: 17207658 (2007)), thyroid cancer (PMID: 29684080 (2018)), breast cancer (PMID: 35264596 (2022), 33471991 (2021), see also LOVD), and in reportedly unaffected individuals (PMID: 33471991 (2021), see also LOVD). The frequency of this variant in the general population (Genome Aggregation Database) is uninformative in the assessment of its pathogenicity. Analysis of this variant using bioinformatics tools for the prediction of the effect of amino acid changes on protein structure and function yielded predictions that this variant is benign. Based on the available information, we are unable to determine the clinical significance of this variant.

Color Diagnostics, LLC DBA Color Health
Classification: Likely benign for Hereditary cancer-predisposing syndrome. Last evaluated: 2025-07-03. Review status: criteria provided, single submitter. Criteria: ACMG Guidelines, 2015. Collection method: clinical testing. Allele origin: germline.

Women's Health and Genetics/Laboratory Corporation of America, LabCorp
Classification: Uncertain significance. Last evaluated: 2025-06-30. Review status: criteria provided, single submitter. Criteria: LabCorp Variant Classification Summary - May 2015. Collection method: clinical testing. Allele origin: germline.
Comment: Variant summary: MUTYH c.985G>A (p.Val329Met) results in a conservative amino acid change in the encoded protein sequence. Algorithms developed to predict the effect of missense changes on protein structure and function all suggest that this variant is likely to be tolerated. The variant allele was found at a frequency of 8.7e-05 in 251494 control chromosomes. This frequency is not significantly higher than estimated for a pathogenic variant in MUTYH causing MUTYH-Associated Polyposis (8.7e-05 vs 0.0046), allowing no conclusion about variant significance. c.985G>A variant has been reported in the literature in individuals affected with MUTYH-associated Polyposis (Yurgelun_2015, Ricci_2016) and Rectal Colon cancer (AlHarbi_2023). This variant was also reported in the control cohort of a large case-control study of Biliary tract cancer (Okawa_2023). These report(s) do not provide unequivocal conclusions about association of the variant with MUTYH-Associated Polyposis. To our knowledge, no experimental evidence demonstrating an impact on protein function has been reported. The following publications have been ascertained in the context of this evaluation (PMID: 37306523, 24728327, 17207658, 36243179, 27829682, 19300419, 20571908, 25980754, 26580448). ClinVar contains an entry for this variant (Variation ID: 134859). Based on the evidence outlined above, the variant was classified as uncertain significance.

Center for Genomic Medicine, Rigshospitalet, Copenhagen University Hospital
Classification: Uncertain significance. Last evaluated: 2025-03-04. Review status: criteria provided, single submitter. Criteria: ACMG Guidelines, 2015. Collection method: clinical testing. Allele origin: germline.

Revvity Omics, Revvity
Classification: Uncertain significance for Familial adenomatous polyposis 2. Last evaluated: 2025-02-20. Review status: criteria provided, single submitter. Criteria: ACMG Guidelines, 2015. Collection method: clinical testing. Allele origin: germline.

GeneDx
Classification: Uncertain significance. Last evaluated: 2024-12-01. Review status: criteria provided, single submitter. Criteria: GeneDx Variant Classification Process June 2021. Collection method: clinical testing. Allele origin: germline. Affected: yes.
Comment: Observed in individuals with colon cancer and/or polyps and other cancers (PMID: 17207658, 25980754, 25186627, 27498913, 27829682, 29684080, 31062380); Not observed at significant frequency in large population cohorts (gnomAD); In silico analysis indicates that this missense variant does not alter protein structure/function; Also known as p.Val315Met and p.Val326Met; This variant is associated with the following publications: (PMID: 19300419, 17207658, 27829682, 27498913, 20571908, 25980754, 24728327, 16879101, 25186627, 29684080, 31062380, 33471991, 37013556, 36243179, 34326862, 35980532, 20816984, 35264596, 37306523, 26580448, 32923874, 37795462, 39541563)

Blueprint Genetics
Classification: Likely benign. Last evaluated: 2024-10-04. Review status: criteria provided, single submitter. Criteria: ACMG Guidelines, 2015. Collection method: clinical testing. Allele origin: germline.